The following is an entry in ClinVar:

ClinVar aggregate classification (germline): Uncertain significance. Review status: criteria provided, multiple submitters, no conflicts (2 of 4 stars). 2 submissions from 2 submitters: Uncertain significance (2). Last evaluated 2025-04-15.

Conditions:
Ciliary dyskinesia, primary, 37 (CILD37). Also called: CILIARY DYSKINESIA, PRIMARY, 37, WITH OR WITHOUT SITUS INVERSUS. Identifiers: MedGen C4539798, MONDO:0033204, OMIM 617577.
Spermatogenic failure 18. Identifiers: MedGen C4539783, MONDO:0054615, OMIM 617576.

gnomAD v4.1: 9 of 1,613,642 alleles (0.00056%); highest among the groups gnomAD compares: East Asian, 0.0067%; no homozygotes.

Submissions (2):

Ambry Genetics
Classification: Uncertain significance. Last evaluated: 2025-04-15. Review status: criteria provided, single submitter. Criteria: Ambry Variant Classification Scheme 2023. Collection method: clinical testing. Allele origin: germline.

Labcorp Genetics (formerly Invitae), Labcorp
Classification: Uncertain significance for Ciliary dyskinesia, primary, 37; Spermatogenic failure 18. Last evaluated: 2022-02-13. Review status: criteria provided, single submitter. Criteria: Invitae Variant Classification Sherloc (09022015). Collection method: clinical testing. Allele origin: germline.
Comment: This sequence change replaces lysine, which is basic and polar, with glutamic acid, which is acidic and polar, at codon 3858 of the DNAH1 protein (p.Lys3858Glu). This variant is not present in population databases (gnomAD no frequency). This variant has not been reported in the literature in individuals affected with DNAH1-related conditions. Algorithms developed to predict the effect of missense changes on protein structure and function are either unavailable or do not agree on the potential impact of this missense change (SIFT: "Deleterious"; PolyPhen-2: "Benign"; Align-GVGD: "Class C0"). In summary, the available evidence is currently insufficient to determine the role of this variant in disease. Therefore, it has been classified as a Variant of Uncertain Significance.

NM_015512.5(DNAH1):c.11572A>G (p.Lys3858Glu)

Gene: DNAH1 (dynein axonemal heavy chain 1; plus strand). Cytogenetic location: 3p21.1.
Variant type: single nucleotide variant.
Coding change: c.11572A>G on transcript NM_015512.5 (MANE Select); coding-DNA position 11572, A replaced by G.
Protein change: p.Lys3858Glu; replaces lysine 3858 with glutamic acid.
Molecular consequence: missense variant.
Genome position (GRCh38, 1-based): chr3:52,396,759, A>G. VCF-style: chr3-52396759-A-G. GRCh37 (hg19) VCF-style: chr3-52430775-A-G.
Other names: c.11572A>G (NM_015512.4); short protein forms K3858E.
Identifiers: ClinVar variation 2155478 (VCV002155478.4), dbSNP rs186366418, ClinGen allele CA74738002.